The following is an entry in ClinVar:

NM_001385012.1(NBEA):c.2768T>C (p.Leu923Pro)

Gene: NBEA (neurobeachin; plus strand). Cytogenetic location: 13q13.3.
Variant type: single nucleotide variant.
Coding change: c.2768T>C on transcript NM_001385012.1 (MANE Select); coding-DNA position 2768, T replaced by C.
Protein change: p.Leu923Pro; replaces leucine 923 with proline.
Molecular consequence: missense variant.
Genome position (GRCh38, 1-based): chr13:35,157,194, T>C. VCF-style: chr13-35157194-T-C. GRCh37 (hg19) VCF-style: chr13-35731331-T-C.
Other names: c.2768T>C, p.Leu923Pro (NM_001379245.1, NM_015678.5); short protein forms L923P.
Identifiers: ClinVar variation 3600550 (VCV003600550.1).

ClinVar aggregate classification (germline): Uncertain significance (1 of 4 stars; one submission).

Submission:

GeneDx
Classification: Uncertain significance. Last evaluated: 2024-07-24. Review status: criteria provided, single submitter. Criteria: GeneDx Variant Classification Process June 2021. Collection method: clinical testing. Allele origin: germline. Affected: yes.
Comment: Not observed at significant frequency in large population cohorts (gnomAD); In silico analysis supports that this missense variant has a deleterious effect on protein structure/function; Has not been previously published as pathogenic or benign to our knowledge